The following is an entry in ClinVar:

ClinVar aggregate classification (germline): Conflicting classifications of pathogenicity. Review status: criteria provided, conflicting classifications (1 of 4 stars). 13 submissions from 13 submitters: Pathogenic (2); Likely pathogenic (8); Uncertain significance (1). 2 of the submissions do not count toward it. Last evaluated 2025-05-08.

Conditions:
CFTR-related disorder (CFTR-RD). Also called: CFTR-related disorders; CFTR-related condition. Identifiers: MedGen C5924204, MONDO:7770004.
Congenital bilateral aplasia of vas deferens from CFTR mutation (CBAVD). Identifiers: Orphanet 48, MedGen C0403814, MONDO:0010178, OMIM 277180. Disease mechanism: loss of function.
Cystic fibrosis (CF). Also called: MUCOVISCIDOSIS. Identifiers: Orphanet 586, MedGen C0010674, MONDO:0009061, OMIM 219700. Disease mechanism: loss of function.
Hereditary pancreatitis (PCTT). Also called: PRSS1-Related Hereditary Pancreatitis; Hereditary chronic pancreatitis. Identifiers: Orphanet 676, MedGen C0238339, MONDO:0008185, OMIM 167800.
Bronchiectasis with or without elevated sweat chloride 1 (BESC1). Also called: Cystic Fibrosis-Like Syndrome. Identifiers: Orphanet 60033, MedGen C2749757, MONDO:0008887, OMIM 211400.

Allele frequency attached by ClinVar (database versions not stated): gnomAD exomes below 0.00001; gnomAD 0.00001; TOPMed 0.00001.
gnomAD v4.1: 5 of 1,613,848 alleles (0.00031%); highest among the groups gnomAD compares: Non-Finnish European, 0.00042%; no homozygotes.

Submissions (13):

Natera, Inc.
Classification: Likely pathogenic for CFTR-related disorders. Last evaluated: 2025-05-08. Review status: criteria provided, single submitter. Criteria: Natera Variant Classification Schema (03/2026). Collection method: clinical testing. Allele origin: germline.
Comment: The c.941G>A variant in CFTR is a missense variant predicted to cause substitution of glycine to glutamic acid at amino acid 314. This variant is rare in the general population with a frequency below the threshold expected for the associated phenotype(s). This variant has been observed in one or more individuals affected with the associated recessive disease, as either homozygous or compound heterozygous with a second variant (PMID: 7509684). Functional studies show that this variant may disrupt protein function (PMID: 9512029). Computational prediction algorithms indicate this variant is likely to affect gene or protein function. Given the available evidence, this variant is classified as Likely Pathogenic.

Women's Health and Genetics/Laboratory Corporation of America, LabCorp
Classification: Likely pathogenic for Cystic fibrosis. Last evaluated: 2024-09-05. Review status: criteria provided, single submitter. Criteria: LabCorp Variant Classification Summary - May 2015. Collection method: clinical testing. Allele origin: germline.
Comment: Variant summary: CFTR c.941G>A (p.Gly314Glu) results in a non-conservative amino acid change located in the ABC transporter type 1, transmembrane domain (IPR011527) of the encoded protein sequence. Four of five in-silico tools predict a damaging effect of the variant on protein function. The variant allele was found at a frequency of 4e-06 in 251236 control chromosomes. c.941G>A has been reported in the literature in the homozygous and compound heterozygous state in individuals affected with mild Cystic Fibrosis (Stanke_2008, Golla_1993, Minso_2020, Nasr_1996, Castaldo_1996). These data indicate that the variant is likely to be associated with disease. Experimental studies evaluating protein function in vitro show that this variant results in decreased chloride channel conductance. The most pronounced variant effect resulted in approximately 27% of normal chloride channel conductance relative to wild type (e.g., Bihler_2024, Nasr_1996). This variant is also known as 1073G>A. The following publications have been ascertained in the context of this evaluation (PMID: 38388235, 8782047, 7509684, 33020115, 8829633, 18178635).ClinVar contains an entry for this variant (Variation ID: 54089). Based on the evidence outlined above, the variant was classified as likely pathogenic.

Institute of Human Genetics, University of Leipzig Medical Center
Classification: Likely pathogenic for Cystic fibrosis. Last evaluated: 2024-06-25. Review status: criteria provided, single submitter. Criteria: ACMG Guidelines, 2015. Collection method: clinical testing. Allele origin: unknown. Inheritance: Autosomal recessive inheritance. Affected: yes.
Comment: Criteria applied: PM2,PM3,PM5,PS3_SUP,PP3

Labcorp Genetics (formerly Invitae), Labcorp
Classification: Likely pathogenic for Cystic fibrosis. Last evaluated: 2024-03-13. Review status: criteria provided, single submitter. Criteria: Invitae Variant Classification Sherloc (09022015). Collection method: clinical testing. Allele origin: germline.
Comment: This sequence change replaces glycine, which is neutral and non-polar, with glutamic acid, which is acidic and polar, at codon 314 of the CFTR protein (p.Gly314Glu). This variant is present in population databases (rs75763344, gnomAD 0.0009%). This missense change has been observed in individual(s) with clinical features of cystic fibrosis (PMID: 7509684, 18178635). In at least one individual the data is consistent with being in trans (on the opposite chromosome) from a pathogenic variant. ClinVar contains an entry for this variant (Variation ID: 54089). Advanced modeling of protein sequence and biophysical properties (such as structural, functional, and spatial information, amino acid conservation, physicochemical variation, residue mobility, and thermodynamic stability) has been performed at Invitae for this missense variant, however the output from this modeling did not meet the statistical confidence thresholds required to predict the impact of this variant on CFTR protein function. Experimental studies have shown that this missense change affects CFTR function (PMID: 9512029). This variant disrupts the p.Gly314 amino acid residue in CFTR. Other variant(s) that disrupt this residue have been determined to be pathogenic (PMID: 8829633, 24586523). This suggests that this residue is clinically significant, and that variants that disrupt this residue are likely to be disease-causing. In summary, the currently available evidence indicates that the variant is pathogenic, but additional data are needed to prove that conclusively. Therefore, this variant has been classified as Likely Pathogenic.

Fulgent Genetics
Classification: Likely pathogenic for Hereditary pancreatitis; Bronchiectasis with or without elevated sweat chloride 1; Cystic fibrosis; Congenital bilateral aplasia of vas deferens from CFTR mutation. Last evaluated: 2024-01-09. Review status: criteria provided, single submitter. Criteria: ACMG Guidelines, 2015. Collection method: clinical testing. Allele origin: germline.

Johns Hopkins Genomics, Johns Hopkins University
Classification: Likely pathogenic for Cystic fibrosis. Last evaluated: 2023-10-13. Review status: criteria provided, single submitter. Criteria: ACMG Guidelines, 2015. Collection method: clinical testing. Allele origin: germline.
Comment: CFTR variant associated with varying clinical consequence. See CFTR2 for phenotype information.

Genome-Nilou Lab
Classification: Likely pathogenic for Cystic fibrosis. Last evaluated: 2021-07-22. Review status: criteria provided, single submitter. Criteria: ACMG Guidelines, 2015. Collection method: clinical testing. Allele origin: germline. Affected: no.

CeGaT Center for Human Genetics Tuebingen
Classification: Pathogenic. Last evaluated: 2019-09-01. Review status: criteria provided, single submitter. Criteria: CeGaT Center For Human Genetics Tuebingen Variant Classification Criteria Version 2. Collection method: clinical testing. Allele origin: germline. Affected: yes. Observed: 1 variant allele.

Mendelics
Classification: Pathogenic for Cystic fibrosis. Last evaluated: 2018-11-05. Review status: criteria provided, single submitter. Criteria: Mendelics Assertion Criteria 2017. Collection method: clinical testing. Allele origin: unknown. Affected: yes.

Ambry Genetics
Classification: Uncertain significance for Cystic fibrosis. Last evaluated: 2017-01-24. Review status: criteria provided, single submitter. Criteria: Ambry Variant Classification Scheme 2023. Collection method: clinical testing. Allele origin: germline.
Comment: The p.G314E variant (also known as c.941G>A), located in coding exon 8 of the CFTR gene, results from a G to A substitution at nucleotide position 941. The glycine at codon 314 is replaced by glutamic acid, an amino acid with similar properties. However, the entire CFTR gene was not analyzed in this individual, and the presence of an undetected mutation cannot be ruled out (Golla A et al. Hum. Mutat., 1994;3:67-8). In addition, this individual had a normal nasal potential difference and intestinal current measurements on rectal suction biopsy were normal (Stanke F et al. J. Med. Genet., 2008 Jan;45:47-54). In one functional study, p.G314E did not affect permeability selectivity, however the data suggest that this residue is important for the structural integrity of an anion binding site in the pore (Mansoura MK et al. Biophys. J., 1998 Mar;74:1320-32). This amino acid position is highly conserved in available vertebrate species. In addition, this alteration is predicted to be deleterious by in silico analysis. Since supporting evidence is conflicting at this time, the clinical significance of this alteration remains unclear.

Baylor Genetics
Classification: Likely pathogenic for Congenital bilateral aplasia of vas deferens from CFTR mutation; Cystic fibrosis. Review status: criteria provided, single submitter. Criteria: ACMG Guidelines, 2015. Collection method: clinical testing. Allele origin: germline.

Counsyl
Classification: Uncertain significance for Cystic fibrosis. Last evaluated: 2017-04-18. Review status: no assertion criteria provided. Collection method: clinical testing. Allele origin: unknown. Not counted in ClinVar's aggregate classification.

ClinVar Staff, National Center for Biotechnology Information (NCBI)
No classification provided. Condition: CFTR-related disorders. Review status: no classification provided. Collection method: literature only. Allele origin: germline. Affected: yes. Not counted in ClinVar's aggregate classification.

Literature cited by the submitters: PubMed 7509684 (cited by 6 submitters); PubMed 9512029 (cited by 3 submitters); PubMed 18178635 (cited by 5 submitters); PubMed 33020115 (cited by Women's Health and Genetics/Laboratory Corporation of America, LabCorp); PubMed 38388235 (cited by Women's Health and Genetics/Laboratory Corporation of America, LabCorp); PubMed 8782047 (cited by Women's Health and Genetics/Laboratory Corporation of America, LabCorp); PubMed 8829633 (cited by Women's Health and Genetics/Laboratory Corporation of America, LabCorp and Labcorp Genetics (formerly Invitae), Labcorp); PubMed 24586523 (cited by Labcorp Genetics (formerly Invitae), Labcorp); PubMed 22698459 (cited by Ambry Genetics); PubMed 11180668 (cited by ClinVar Staff, National Center for Biotechnology Information (NCBI)).

NM_000492.4(CFTR):c.941G>A (p.Gly314Glu)

Gene: CFTR (CF transmembrane conductance regulator; plus strand). Cytogenetic location: 7q31.2.
Variant type: single nucleotide variant.
Coding change: c.941G>A on transcript NM_000492.4 (MANE Select); coding-DNA position 941, G replaced by A.
Protein change: p.Gly314Glu; replaces glycine 314 with glutamic acid.
Molecular consequence: missense variant.
Genome position (GRCh38, 1-based): chr7:117,540,171, G>A. VCF-style: chr7-117540171-G-A. GRCh37 (hg19) VCF-style: chr7-117180225-G-A.
Other names: short protein forms G314E.
Identifiers: ClinVar variation 54089 (VCV000054089.66), dbSNP rs75763344, ClinGen allele CA327696.
Genomic context (GRCh38, chr7:117,540,171, plus strand): 5'-AACTGACTCGGAAGGCAGCCTATGTGAGATACTTCAATAGCTCAGCCTTCTTCTTCTCAG[G>A]GTTCTTTGTGGTGTTTTTATCTGTGCTTCCCTATGCACTAATCAAAGGAATCATCCTCCG-3'
Protein context (NP_000483.3, residues 304-324): YFNSSAFFFS[Gly314Glu]FFVVFLSVLP